The following is an entry in ClinVar:

ClinVar aggregate classification (germline): Pathogenic (1 of 4 stars; one submission).

Conditions:
VPS13A-related neurodegenerative disease. Also called: ACANTHOCYTOSIS WITH NEUROLOGIC DISORDER; LEVINE-CRITCHLEY SYNDROME; Choreoacanthocytosis; Chorea-acanthocytosis; Choreaacanthocytosis; VPS13A Disease. Identifiers: Orphanet 2388, MedGen C0393576, MONDO:0008695, OMIM 200150.

Submission:

Myriad Genetics, Inc.
Classification: Pathogenic for VPS13A-related neurodegenerative disease. Last evaluated: 2024-06-23. Review status: criteria provided, single submitter. Criteria: Myriad Autosomal Dominant, Autosomal Recessive and X-Linked Classification Criteria (2023). Collection method: clinical testing. Allele origin: unknown.
Comment: NM_033305.2(VPS13A):c.5957delG(G1986Efs*13) is expected to be pathogenic in the context of VPS13A disease. This variant is predicted to lead to an abnormal or absent protein product due to the creation of a premature termination codon in VPS13A, a gene where loss-of-function variants are known to be pathogenic. Please note: this variant was assessed in the context of healthy population screening.

NM_033305.3(VPS13A):c.5957del (p.Gly1986fs)

Gene: VPS13A (vacuolar protein sorting 13 homolog A; plus strand). Cytogenetic location: 9q21.2.
Variant type: Deletion.
Coding change: c.5957del on transcript NM_033305.3 (MANE Select); coding-DNA position 5957, one base deleted (G; older notation c.5957delG).
Protein change: p.Gly1986fs; shifts the reading frame from glycine 1986.
Molecular consequence: frameshift variant.
Genome position (GRCh38, 1-based): chr9:77,323,193, G deleted; the last of 2 consecutive G bases (chr9:77,323,192-77,323,193); deleting either gives the same sequence. VCF-style (leftmost placement, unchanged base first): chr9-77323191-AG-A. GRCh37 (hg19) VCF-style: chr9-79938107-AG-A.
Other names: c.5840del, p.Gly1947fs (NM_001018037.2); c.5957del, p.Gly1986fs (NM_001018038.3, NM_015186.4); short protein forms G1947fs, G1986fs.
Identifiers: ClinVar variation 5013225 (VCV005013225.1).